The following is an entry in ClinVar:

NM_024529.5(CDC73):c.1200A>T (p.Glu400Asp)

Gene: CDC73 (cell division cycle 73; plus strand). Cytogenetic location: 1q31.2.
Variant type: single nucleotide variant.
Coding change: c.1200A>T on transcript NM_024529.5 (MANE Select); coding-DNA position 1200, A replaced by T.
Protein change: p.Glu400Asp; replaces glutamic acid 400 with aspartic acid.
Molecular consequence: missense variant.
Genome position (GRCh38, 1-based): chr1:193,233,038, A>T. VCF-style: chr1-193233038-A-T. GRCh37 (hg19) VCF-style: chr1-193202168-A-T.
Other names: short protein forms E400D.
Identifiers: ClinVar variation 1951182 (VCV001951182.7), dbSNP rs2527493885, ClinGen allele CA344077810.

ClinVar aggregate classification (germline): Uncertain significance. Review status: criteria provided, multiple submitters, no conflicts (2 of 4 stars). 3 submissions from 3 submitters: Uncertain significance (3). Last evaluated 2026-08-11.

Conditions:
Hereditary cancer-predisposing syndrome. Also called: Hereditary neoplastic syndrome; Neoplastic Syndromes, Hereditary; Tumor predisposition; Hereditary Cancer Syndrome. Identifiers: Orphanet 140162, MedGen C0027672, MeSH D009386, MONDO:0015356.
Parathyroid carcinoma (PRTC). Also called: Parathyroid gland carcinoma; CDC73-Related Parathyroid Carcinoma. Identifiers: Orphanet 143, MedGen C0687150, MONDO:0012004, OMIM 608266, HP:0006780.
Hyperparathyroidism 1 (HRPT1). Also called: HYPERPARATHYROIDISM, FAMILIAL ISOLATED PRIMARY. Identifiers: Orphanet 99879, MedGen C1840402, MONDO:0007767, OMIM 145000.

Submissions (3):

Ambry Genetics
Classification: Uncertain significance for Hereditary cancer-predisposing syndrome. Last evaluated: 2026-08-11. Review status: criteria provided, single submitter. Criteria: Ambry Variant Classification Scheme 2023. Collection method: clinical testing. Allele origin: germline.
Comment: The p.E400D variant (also known as c.1200A>T), located in coding exon 14 of the CDC73 gene, results from an A to T substitution at nucleotide position 1200. The glutamic acid at codon 400 is replaced by aspartic acid, an amino acid with highly similar properties. This amino acid position is conserved. In addition, this alteration is predicted to be tolerated by in silico analysis. Based on the available evidence, the clinical significance of this variant remains unclear.

Baylor Genetics
Classification: Uncertain significance for Hyperparathyroidism 1. Last evaluated: 2023-10-19. Review status: criteria provided, single submitter. Criteria: ACMG Guidelines, 2015. Collection method: clinical testing. Allele origin: unknown.

Labcorp Genetics (formerly Invitae), Labcorp
Classification: Uncertain significance for Parathyroid carcinoma. Last evaluated: 2022-03-29. Review status: criteria provided, single submitter. Criteria: Invitae Variant Classification Sherloc (09022015). Collection method: clinical testing. Allele origin: germline.
Comment: In summary, the available evidence is currently insufficient to determine the role of this variant in disease. Therefore, it has been classified as a Variant of Uncertain Significance. Algorithms developed to predict the effect of missense changes on protein structure and function (SIFT, PolyPhen-2, Align-GVGD) all suggest that this variant is likely to be tolerated. This variant has not been reported in the literature in individuals affected with CDC73-related conditions. This variant is not present in population databases (gnomAD no frequency). This sequence change replaces glutamic acid, which is acidic and polar, with aspartic acid, which is acidic and polar, at codon 400 of the CDC73 protein (p.Glu400Asp).